The following is an entry in ClinVar:

NM_005633.4(SOS1):c.1187C>G (p.Ala396Gly)

Gene: SOS1 (SOS Ras/Rac guanine nucleotide exchange factor 1; minus strand). Cytogenetic location: 2p22.1.
Variant type: single nucleotide variant.
Coding change: c.1187C>G on transcript NM_005633.4 (MANE Select); coding-DNA position 1187, C replaced by G.
Protein change: p.Ala396Gly; replaces alanine 396 with glycine.
Molecular consequence: missense variant.
Genome position (GRCh38, 1-based): chr2:39,024,025, G>C on the plus strand (C>G on the coding strand, the complement: SOS1 is on the minus strand). VCF-style: chr2-39024025-G-C. GRCh37 (hg19) VCF-style: chr2-39251166-G-C.
Other names: c.1166C>G, p.Ala389Gly (NM_001382394.1); c.1187C>G, p.Ala396Gly (NM_001382395.1); short protein forms A389G, A396G.
Identifiers: ClinVar variation 4071760 (VCV004071760.3).
Genomic context (GRCh38, chr2:39,024,025, plus strand): 5'-AATATTCAGGGAAAAAAGGATATTTTAAAAAGTAAAAATATTCACCTCAGTCTTCGTTTT[G>C]CAAGACTTTTAGAACATATTTTTTCCATACCACTCTGAACATTAAGCAAAGCTGTTATTG-3'
Protein context (NP_005624.2, residues 386-406): GMEKICSKSL[Ala396Gly]KRRLSESACR

ClinVar aggregate classification (germline): Uncertain significance. Review status: criteria provided, multiple submitters, no conflicts (2 of 4 stars). 3 submissions from 3 submitters: Uncertain significance (3). Last evaluated 2026-09-04.

Conditions:
Cardiovascular phenotype. Identifiers: MedGen CN230736.

gnomAD v4.1: 1 of 1,599,870 alleles (0.000063%); no homozygotes.

Submissions (3):

Ambry Genetics
Classification: Uncertain significance for Cardiovascular phenotype. Last evaluated: 2026-09-04. Review status: criteria provided, single submitter. Criteria: Ambry Variant Classification Scheme 2023. Collection method: clinical testing. Allele origin: germline.
Comment: The p.A396G variant (also known as c.1187C>G), located in coding exon 9 of the SOS1 gene, results from a C to G substitution at nucleotide position 1187. The alanine at codon 396 is replaced by glycine, an amino acid with similar properties. This amino acid position is conserved. In addition, the in silico prediction for this alteration is inconclusive. Based on the available evidence, the clinical significance of this variant remains unclear.

GeneDx
Classification: Uncertain significance. Last evaluated: 2025-01-24. Review status: criteria provided, single submitter. Criteria: GeneDx Variant Classification Process June 2021. Collection method: clinical testing. Allele origin: germline. Affected: yes.
Comment: Not observed at significant frequency in large population cohorts (gnomAD); Missense variants in this gene are a common cause of disease and they are underrepresented in the general population; In silico analysis indicates that this missense variant does not alter protein structure/function; Has not been previously published as pathogenic or benign to our knowledge; This variant is associated with the following publications: (PMID: 29493581)

Blueprint Genetics
Classification: Uncertain significance. Last evaluated: 2024-02-07. Review status: criteria provided, single submitter. Criteria: ACMG Guidelines, 2015. Collection method: clinical testing. Allele origin: germline.